The following is an entry in ClinVar:

NM_004415.4(DSP):c.4713G>C (p.Gln1571His)

Gene: DSP (desmoplakin; plus strand). Cytogenetic location: 6p24.3.
Variant type: single nucleotide variant.
Coding change: c.4713G>C on transcript NM_004415.4 (MANE Select); coding-DNA position 4713, G replaced by C.
Protein change: p.Gln1571His; replaces glutamine 1571 with histidine.
Molecular consequence: missense variant. On other transcripts: intron variant (2).
Genome position (GRCh38, 1-based): chr6:7,580,903, G>C. VCF-style: chr6-7580903-G-C. GRCh37 (hg19) VCF-style: chr6-7581136-G-C.
Other names: c.4050+663G>C (NM_001319034.2); c.3582+1131G>C (NM_001008844.3); short protein forms Q1571H.
Identifiers: ClinVar variation 1003700 (VCV001003700.16), dbSNP rs375381133, ClinGen allele CA042586.

ClinVar aggregate classification (germline): Conflicting classifications of pathogenicity. Review status: criteria provided, conflicting classifications (1 of 4 stars). 2 submissions from 2 submitters: Uncertain significance (1); Likely benign (1). Last evaluated 2024-01-28.

Conditions:
Cardiovascular phenotype. Identifiers: MedGen CN230736.
Arrhythmogenic cardiomyopathy with wooly hair and keratoderma. Also called: Dilated cardiomyopathy with woolly hair and keratoderma; Carvajal syndrome; Arrhythmogenic cardiomyopathy with woolly hair and keratoderma; PALMOPLANTAR KERATODERMA WITH LEFT VENTRICULAR CARDIOMYOPATHY AND WOOLLY HAIR. Identifiers: Orphanet 65282, MedGen C1854063, MONDO:0011581, OMIM 605676.
Arrhythmogenic right ventricular dysplasia 8 (ARVD8). Also called: Arrhythmogenic Right Ventricular Dysplasia/Cardiomyopathy 8; ARRHYTHMOGENIC RIGHT VENTRICULAR DYSPLASIA, FAMILIAL, 8; ARRHYTHMOGENIC RIGHT VENTRICULAR CARDIOMYOPATHY 8. Identifiers: MedGen C1843896, MONDO:0011831, OMIM 607450.

Allele frequency attached by ClinVar (database versions not stated): gnomAD exomes below 0.00001; TOPMed below 0.00001; ExAC 0.00001; ESP Exome Variant Server 0.00008.
gnomAD v4.1: 2 of 1,614,076 alleles (0.00012%); highest among the groups gnomAD compares: African/African-American, 0.0013%; no homozygotes.

Submissions (2):

Labcorp Genetics (formerly Invitae), Labcorp
Classification: Likely benign for Arrhythmogenic cardiomyopathy with wooly hair and keratoderma; Arrhythmogenic right ventricular dysplasia 8. Last evaluated: 2024-01-28. Review status: criteria provided, single submitter. Criteria: Invitae Variant Classification Sherloc (09022015). Collection method: clinical testing. Allele origin: germline.

Ambry Genetics
Classification: Uncertain significance for Cardiovascular phenotype. Last evaluated: 2023-03-16. Review status: criteria provided, single submitter. Criteria: Ambry Variant Classification Scheme 2023. Collection method: clinical testing. Allele origin: germline.
Comment: The p.Q1571H variant (also known as c.4713G>C), located in coding exon 23 of the DSP gene, results from a G to C substitution at nucleotide position 4713. The glutamine at codon 1571 is replaced by histidine, an amino acid with highly similar properties. This amino acid position is not well conserved in available vertebrate species. In addition, this alteration is predicted to be tolerated by in silico analysis. Since supporting evidence is limited at this time, the clinical significance of this alteration remains unclear.